The following is an entry in ClinVar:

NM_007194.4(CHEK2):c.580A>T (p.Ser194Cys)

Gene: CHEK2 (checkpoint kinase 2; minus strand). Cytogenetic location: 22q12.1.
Variant type: single nucleotide variant.
Coding change: c.580A>T on transcript NM_007194.4 (MANE Select); coding-DNA position 580, A replaced by T.
Protein change: p.Ser194Cys; replaces serine 194 with cysteine.
Molecular consequence: missense variant. On other transcripts: 5 prime UTR variant (2), intron variant (1).
Genome position (GRCh38, 1-based): chr22:28,724,989, T>A on the plus strand (A>T on the coding strand, the complement: CHEK2 is on the minus strand). VCF-style: chr22-28724989-T-A. GRCh37 (hg19) VCF-style: chr22-29120977-T-A.
Other names: c.709A>T, p.Ser237Cys (NM_001005735.3, NM_001438294.1); c.-198A>T (NM_001257387.3); c.-84A>T (NM_001437942.1); c.673A>T, p.Ser225Cys (NM_001438293.1, NM_001438295.1); c.580A>T, p.Ser194Cys (NM_145862.3); c.445-66A>T (NM_001349956.3); short protein forms S194C, S237C, S225C.
Identifiers: ClinVar variation 186561 (VCV000186561.26), dbSNP rs786203042, ClinGen allele CA195180.

ClinVar aggregate classification (germline): Conflicting classifications of pathogenicity. Review status: criteria provided, conflicting classifications (1 of 4 stars). 6 submissions from 6 submitters: Uncertain significance (4); Likely benign (2). Last evaluated 2025-11-26.

Conditions:
Hereditary cancer-predisposing syndrome. Also called: Neoplastic Syndromes, Hereditary; Tumor predisposition; Hereditary Cancer Syndrome; Hereditary neoplastic syndrome. Identifiers: Orphanet 140162, MedGen C0027672, MeSH D009386, MONDO:0015356.
Familial cancer of breast. Also called: BREAST CANCER, FAMILIAL; Hereditary breast cancer; hereditary breast carcinoma. Identifiers: Orphanet 227535, MedGen C0346153, MONDO:0016419, OMIM 114480. Disease mechanism: loss of function.

Allele frequency attached by ClinVar (database versions not stated): TOPMed 0.00001.
gnomAD v4.1: 3 of 1,614,086 alleles (0.00019%); highest among the groups gnomAD compares: Non-Finnish European, 0.00025%; no homozygotes.

Submissions (6):

Myriad Genetics, Inc.
Classification: Likely benign for Familial cancer of breast. Last evaluated: 2025-11-26. Review status: criteria provided, single submitter. Criteria: Myriad Autosomal Dominant, Autosomal Recessive and X-Linked Classification Criteria (2023). Collection method: clinical testing. Allele origin: unknown.
Comment: This variant is considered likely benign. This variant is strongly associated with less severe personal and family histories of cancer, typical for individuals without pathogenic variants in this gene [PMID: 25085752].

Labcorp Genetics (formerly Invitae), Labcorp
Classification: Uncertain significance for Familial cancer of breast. Last evaluated: 2025-11-05. Review status: criteria provided, single submitter. Criteria: Invitae Variant Classification Sherloc (09022015). Collection method: clinical testing. Allele origin: germline.
Comment: This sequence change replaces serine, which is neutral and polar, with cysteine, which is neutral and slightly polar, at codon 194 of the CHEK2 protein (p.Ser194Cys). This variant is not present in population databases (gnomAD no frequency). This variant has not been reported in the literature in individuals affected with CHEK2-related conditions. ClinVar contains an entry for this variant (Variation ID: 186561). An algorithm developed to predict the effect of missense changes on protein structure and function outputs the following: PolyPhen-2: "Benign". The cysteine amino acid residue is found in multiple mammalian species, which suggests that this missense change does not adversely affect protein function. In summary, the available evidence is currently insufficient to determine the role of this variant in disease. Therefore, it has been classified as a Variant of Uncertain Significance.

Color Diagnostics, LLC DBA Color Health
Classification: Uncertain significance for Hereditary cancer-predisposing syndrome. Last evaluated: 2024-08-19. Review status: criteria provided, single submitter. Criteria: ACMG Guidelines, 2015. Collection method: clinical testing. Allele origin: germline.
Comment: This missense variant replaces serine with cysteine at codon 194 of the CHEK2 protein. Computational prediction suggests that this variant may not impact protein structure and function. To our knowledge, functional studies have not been reported for this variant. This variant has been reported in an individual tested for hereditary breast and ovarian cancer (PMID: 38136308). This variant has not been identified in the general population by the Genome Aggregation Database (gnomAD). The available evidence is insufficient to determine the role of this variant in disease conclusively. Therefore, this variant is classified as a Variant of Uncertain Significance.

Baylor Genetics
Classification: Uncertain significance for Familial cancer of breast. Last evaluated: 2023-11-14. Review status: criteria provided, single submitter. Criteria: ACMG Guidelines, 2015. Collection method: clinical testing. Allele origin: unknown.

GeneDx
Classification: Uncertain significance. Last evaluated: 2023-10-25. Review status: criteria provided, single submitter. Criteria: GeneDx Variant Classification Process June 2021. Collection method: clinical testing. Allele origin: germline. Affected: yes.
Comment: Not observed at significant frequency in large population cohorts (gnomAD); In silico analysis supports that this missense variant has a deleterious effect on protein structure/function; Has not been previously published as pathogenic or benign to our knowledge; This variant is associated with the following publications: (PMID: 22419737, 19782031)

Ambry Genetics
Classification: Likely benign for Hereditary cancer-predisposing syndrome. Last evaluated: 2019-03-25. Review status: criteria provided, single submitter. Criteria: Ambry Variant Classification Scheme 2023. Collection method: clinical testing. Allele origin: germline.

Literature cited by the submitters: PubMed 25085752 (cited by Myriad Genetics, Inc.); PubMed 38136308 (cited by Color Diagnostics, LLC DBA Color Health).